The following is an entry in ClinVar:

ClinVar aggregate classification (germline): Uncertain significance (1 of 4 stars; one submission).

gnomAD v4.1: 2 of 1,605,210 alleles (0.00012%); highest among the groups gnomAD compares: East Asian, 0.0045%; no homozygotes.

Submission:

Labcorp Genetics (formerly Invitae), Labcorp
Classification: Uncertain significance. Last evaluated: 2025-04-08. Review status: criteria provided, single submitter. Criteria: Invitae Variant Classification Sherloc (09022015). Collection method: clinical testing. Allele origin: germline.
Comment: This sequence change falls in intron 1 of the NPHS1 gene. It does not directly change the encoded amino acid sequence of the NPHS1 protein. This variant is not present in population databases (gnomAD no frequency). This variant has not been reported in the literature in individuals affected with NPHS1-related conditions. ClinVar contains an entry for this variant (Variation ID: 1945166). Algorithms developed to predict the effect of sequence changes on RNA splicing suggest that this variant may disrupt the consensus splice site. In summary, the available evidence is currently insufficient to determine the role of this variant in disease. Therefore, it has been classified as a Variant of Uncertain Significance.

NM_004646.4(NPHS1):c.59-16C>A

Genes: KIRREL2 (kirre like nephrin family adhesion molecule 2; plus strand), NPHS1 (NPHS1 adhesion molecule, nephrin; minus strand). Cytogenetic location: 19q13.12.
Variant type: single nucleotide variant.
Coding change: c.59-16C>A on transcript NM_004646.4 (MANE Select); 16 bases into the intron before coding-DNA position 59, C replaced by A.
Molecular consequence: intron variant.
Genome position (GRCh38, 1-based): chr19:35,851,688, G>T on the plus strand (C>A on the coding strand, the complement: NPHS1 is on the minus strand). VCF-style: chr19-35851688-G-T. GRCh37 (hg19) VCF-style: chr19-36342590-G-T.
Identifiers: ClinVar variation 1945166 (VCV001945166.5), dbSNP rs765762816, ClinGen allele CA2580096908.
Genomic context (GRCh38, chr19:35,851,688, plus strand): 5'-AGAAGCCCCGGGGAACGGAGGCAGGAATCGCCAACTGCGCCAGGCCTGAGGACACAGCGC[G>T]GTGCAAGGAAAGGGCAGAGGGTTTGTCTAGGGAAGGTAAGTGGGAAATGGGGGCCACTTG-3'